The following is an entry in ClinVar:

NM_001792.5(CDH2):c.1075A>C (p.Thr359Pro)

Gene: CDH2 (cadherin 2; minus strand). Cytogenetic location: 18q12.1.
Variant type: single nucleotide variant.
Coding change: c.1075A>C on transcript NM_001792.5 (MANE Select); coding-DNA position 1075, A replaced by C.
Protein change: p.Thr359Pro; replaces threonine 359 with proline.
Molecular consequence: missense variant.
Genome position (GRCh38, 1-based): chr18:27,993,583, T>G on the plus strand (A>C on the coding strand, the complement: CDH2 is on the minus strand). VCF-style: chr18-27993583-T-G. GRCh37 (hg19) VCF-style: chr18-25573547-T-G.
Other names: c.982A>C, p.Thr328Pro (NM_001308176.2); short protein forms T328P, T359P.
Identifiers: ClinVar variation 4767600 (VCV004767600.1).

ClinVar aggregate classification (germline): Uncertain significance (1 of 4 stars; one submission).

Submission:

Labcorp Genetics (formerly Invitae), Labcorp
Classification: Uncertain significance. Last evaluated: 2025-07-30. Review status: criteria provided, single submitter. Criteria: Invitae Variant Classification Sherloc (09022015). Collection method: clinical testing. Allele origin: germline.
Comment: This sequence change replaces threonine, which is neutral and polar, with proline, which is neutral and non-polar, at codon 359 of the CDH2 protein (p.Thr359Pro). This variant is not present in population databases (gnomAD no frequency). This variant has not been reported in the literature in individuals affected with CDH2-related conditions. An algorithm developed to predict the effect of missense changes on protein structure and function (PolyPhen-2) suggests that this variant is likely to be disruptive. In summary, the available evidence is currently insufficient to determine the role of this variant in disease. Therefore, it has been classified as a Variant of Uncertain Significance.